The following is an entry in ClinVar:

ClinVar aggregate classification (germline): Uncertain significance. Review status: criteria provided, multiple submitters, no conflicts (2 of 4 stars). 2 submissions from 2 submitters: Uncertain significance (2). Last evaluated 2025-12-15.

Conditions:
Inborn genetic diseases. Identifiers: MedGen C0950123, MeSH D030342.

Allele frequency attached by ClinVar (database versions not stated): gnomAD exomes 0.00003 and 0.00010; gnomAD 0.00005 and 0.00006; TOPMed 0.00008; ExAC 0.00011.
gnomAD v4.1: 63 of 1,608,568 alleles (0.0039%); highest among the groups gnomAD compares: Non-Finnish European, 0.00077%; no homozygotes.

Submissions (2):

Labcorp Genetics (formerly Invitae), Labcorp
Classification: Uncertain significance. Last evaluated: 2025-12-15. Review status: criteria provided, single submitter. Criteria: Invitae Variant Classification Sherloc (09022015). Collection method: clinical testing. Allele origin: germline.
Comment: This sequence change replaces glycine, which is neutral and non-polar, with alanine, which is neutral and non-polar, at codon 2315 of the MYO18B protein (p.Gly2315Ala). This variant is present in population databases (rs756395631, gnomAD 0.2%). This variant has not been reported in the literature in individuals affected with MYO18B-related conditions. ClinVar contains an entry for this variant (Variation ID: 1502038). An algorithm developed to predict the effect of missense changes on protein structure and function outputs the following: PolyPhen-2: "Benign". The alanine amino acid residue is found in multiple mammalian species, which suggests that this missense change does not adversely affect protein function. In summary, the available evidence is currently insufficient to determine the role of this variant in disease. Therefore, it has been classified as a Variant of Uncertain Significance.

Ambry Genetics
Classification: Uncertain significance for Inborn genetic diseases. Last evaluated: 2024-10-04. Review status: criteria provided, single submitter. Criteria: Ambry Variant Classification Scheme 2023. Collection method: clinical testing. Allele origin: germline.

NM_032608.7(MYO18B):c.6944G>C (p.Gly2315Ala)

Gene: MYO18B (myosin XVIIIB; plus strand). Cytogenetic location: 22q12.1.
Variant type: single nucleotide variant.
Coding change: c.6944G>C on transcript NM_032608.7 (MANE Select); coding-DNA position 6944, G replaced by C.
Protein change: p.Gly2315Ala; replaces glycine 2315 with alanine.
Molecular consequence: missense variant.
Genome position (GRCh38, 1-based): chr22:26,026,918, G>C. VCF-style: chr22-26026918-G-C. GRCh37 (hg19) VCF-style: chr22-26422884-G-C.
Other names: c.6947G>C, p.Gly2316Ala (NM_001318245.2); c.6944G>C (NM_032608.5); short protein forms G2316A, G2315A.
Identifiers: ClinVar variation 1502038 (VCV001502038.9), dbSNP rs756395631, ClinGen allele CA10161653.